The following is an entry in ClinVar:

ClinVar aggregate classification (germline): Uncertain significance (1 of 4 stars; one submission).

Submission:

GeneDx
Classification: Uncertain significance. Last evaluated: 2024-02-27. Review status: criteria provided, single submitter. Criteria: GeneDx Variant Classification Process June 2021. Collection method: clinical testing. Allele origin: germline. Affected: yes.
Comment: Not observed at significant frequency in large population cohorts (gnomAD); In silico analysis supports that this missense variant has a deleterious effect on protein structure/function; Has not been previously published as pathogenic or benign to our knowledge

NM_001142864.4(PIEZO1):c.6614A>T (p.Asn2205Ile)

Gene: PIEZO1 (piezo type mechanosensitive ion channel component 1 (Er blood group); minus strand). Cytogenetic location: 16q24.3.
Variant type: single nucleotide variant.
Coding change: c.6614A>T on transcript NM_001142864.4 (MANE Select); coding-DNA position 6614, A replaced by T.
Protein change: p.Asn2205Ile; replaces asparagine 2205 with isoleucine.
Molecular consequence: missense variant.
Genome position (GRCh38, 1-based): chr16:88,717,069, T>A on the plus strand (A>T on the coding strand, the complement: PIEZO1 is on the minus strand). VCF-style: chr16-88717069-T-A. GRCh37 (hg19) VCF-style: chr16-88783477-T-A.
Other names: short protein forms N2205I.
Identifiers: ClinVar variation 3369908 (VCV003369908.1).
Genomic context (GRCh38, chr16:88,717,069, plus strand): 5'-CCACACATGCTCACCTCATAGCCGCCCAGCTTCAGGGTGACGGTGACATCGATGGGCTGG[T>A]TGACAACCCCAACCACGGAGCGCACCAGCGACATGAAGAGCAGTGGGAACCAGATGATGG-3'
Protein context (NP_001136336.2, residues 2195-2215): SLVRSVVGVV[Asn2205Ile]QPIDVTVTLK